The following is an entry in ClinVar:

ClinVar aggregate classification (germline): Uncertain significance (1 of 4 stars; one submission).

Submission:

Labcorp Genetics (formerly Invitae), Labcorp
Classification: Uncertain significance. Last evaluated: 2025-01-13. Review status: criteria provided, single submitter. Criteria: Invitae Variant Classification Sherloc (09022015). Collection method: clinical testing. Allele origin: germline.
Comment: This sequence change replaces tyrosine, which is neutral and polar, with histidine, which is basic and polar, at codon 265 of the ACTN4 protein (p.Tyr265His). This variant is not present in population databases (gnomAD no frequency). This missense change has been observed in individual(s) with focal segmental glomerulosclerosis (PMID: 27977723). Invitae Evidence Modeling of protein sequence and biophysical properties (such as structural, functional, and spatial information, amino acid conservation, physicochemical variation, residue mobility, and thermodynamic stability) indicates that this missense variant is expected to disrupt ACTN4 protein function with a positive predictive value of 80%. Experimental studies have shown that this missense change affects ACTN4 function (PMID: 27977723). In summary, the available evidence is currently insufficient to determine the role of this variant in disease. Therefore, it has been classified as a Variant of Uncertain Significance.

Literature cited by the submitters: PubMed 27977723.

NM_004924.6(ACTN4):c.793T>C (p.Tyr265His)

Gene: ACTN4 (actinin alpha 4; plus strand). Cytogenetic location: 19q13.2.
Variant type: single nucleotide variant.
Coding change: c.793T>C on transcript NM_004924.6 (MANE Select); coding-DNA position 793, T replaced by C.
Protein change: p.Tyr265His; replaces tyrosine 265 with histidine.
Molecular consequence: missense variant. On other transcripts: intron variant (2).
Genome position (GRCh38, 1-based): chr19:38,710,316, T>C. VCF-style: chr19-38710316-T-C. GRCh37 (hg19) VCF-style: chr19-39200956-T-C.
Other names: c.733+840T>C (NM_001411143.1, NM_001322033.2); short protein forms Y265H.
Identifiers: ClinVar variation 3723567 (VCV003723567.2).